The following is an entry in ClinVar:

ClinVar aggregate classification (germline): Likely benign (1 of 4 stars; one submission).

Allele frequency attached by ClinVar (database versions not stated): 1000 Genomes Project 0.00998; gnomAD 0.01053 and 0.01128; TOPMed 0.01111; 1000 Genomes Project 30x 0.01140.
gnomAD v4.1: 1,545 of 147,182 alleles (1%); highest among the groups gnomAD compares: African/African-American, 3.4%; 25 homozygotes.

Submission:

GeneDx
Classification: Likely benign. Last evaluated: 2018-06-19. Review status: criteria provided, single submitter. Criteria: GeneDx Variant Classification (06012015). Collection method: clinical testing. Allele origin: germline. Affected: yes.
Comment: This variant is considered likely benign or benign based on one or more of the following criteria: it is a conservative change, it occurs at a poorly conserved position in the protein, it is predicted to be benign by multiple in silico algorithms, and/or has population frequency not consistent with disease.

NM_017909.4(RMND1):c.831-256C>T

Gene: RMND1 (required for meiotic nuclear division 1 homolog; minus strand). Cytogenetic location: 6q25.1.
Variant type: single nucleotide variant.
Coding change: c.831-256C>T on transcript NM_017909.4 (MANE Select); 256 bases into the intron before coding-DNA position 831, C replaced by T.
Molecular consequence: intron variant.
Genome position (GRCh38, 1-based): chr6:151,423,887, G>A on the plus strand (C>T on the coding strand, the complement: RMND1 is on the minus strand). VCF-style: chr6-151423887-G-A. GRCh37 (hg19) VCF-style: chr6-151745022-G-A.
Other names: c.321-256C>T (NM_001271937.2).
Identifiers: ClinVar variation 674151 (VCV000674151.1), dbSNP rs148835765, ClinGen allele CA150109485.